The following is an entry in ClinVar:

ClinVar aggregate classification (germline): Pathogenic/Likely pathogenic. Review status: criteria provided, multiple submitters, no conflicts (2 of 4 stars). 10 submissions from 10 submitters: Pathogenic (6); Likely pathogenic (2). 2 of the submissions do not count toward it. Last evaluated 2025-11-23.

Conditions:
Jervell and Lange-Nielsen syndrome (JLNS). Also called: Jervell-Lange Nielsen syndrome. Identifiers: Orphanet 90647, MedGen C0022387, MONDO:0002441.
Cardiovascular phenotype. Identifiers: MedGen CN230736.
KCNQ1-related disorder. Also called: KCNQ1-related condition; KCNQ1-related disorders. Identifiers: MedGen CN239322.
Cardiac arrhythmia. Also called: Arrhythmia; Cardiac rhythm disease. Identifiers: MedGen C0003811, MONDO:0007263, HP:0011675.
Familial long QT syndrome (RWS). Also called: Congenital long QT syndrome; Romano-Ward syndrome; VENTRICULAR FIBRILLATION WITH PROLONGED QT INTERVAL. Identifiers: Orphanet 768, MedGen C1141890, MONDO:0019171.
Long QT syndrome (LQTS). Identifiers: MedGen C0023976, MeSH D008133, MONDO:0002442. Disease mechanism: loss of function. Inheritance: Various modes of inheritance.
Jervell and Lange-Nielsen syndrome 1 (JLNS1). Also called: CARDIOAUDITORY SYNDROME OF JERVELL AND LANGE-NIELSEN; DEAFNESS, CONGENITAL, AND FUNCTIONAL HEART DISEASE; PROLONGED QT INTERVAL IN EKG AND SUDDEN DEATH; SURDO-CARDIAC SYNDROME. Identifiers: Orphanet 768, Orphanet 90647, MedGen C4551509, MONDO:0024540, OMIM 220400.
Long QT syndrome 1 (LQT1). Identifiers: Orphanet 101016, Orphanet 768, MedGen C4551647, MONDO:0100316, OMIM 192500, MONDO:0008646.

Allele frequency attached by ClinVar (database versions not stated): gnomAD exomes below 0.00001 and 0.00001; TOPMed below 0.00001; gnomAD 0.00001.
gnomAD v4.1: 13 of 1,612,788 alleles (0.00081%); highest among the groups gnomAD compares: South Asian, 0.0033%; no homozygotes.

Submissions 1 to 5 of 10:

Labcorp Genetics (formerly Invitae), Labcorp
Classification: Pathogenic for Long QT syndrome. Last evaluated: 2025-11-23. Review status: criteria provided, single submitter. Criteria: Invitae Variant Classification Sherloc (09022015). Collection method: clinical testing. Allele origin: germline.
Comment: This sequence change replaces arginine, which is basic and polar, with histidine, which is basic and polar, at codon 243 of the KCNQ1 protein (p.Arg243His). The frequency data for this variant in the population databases is considered unreliable, as metrics indicate poor data quality at this position in the gnomAD database. This missense change has been observed in individuals with Jervell and Lange-Nielsen syndrome (PMID: 10728423, 23400408, 26022593). ClinVar contains an entry for this variant (Variation ID: 53092). Invitae Evidence Modeling of protein sequence and biophysical properties (such as structural, functional, and spatial information, amino acid conservation, physicochemical variation, residue mobility, and thermodynamic stability) indicates that this missense variant is expected to disrupt KCNQ1 protein function with a positive predictive value of 95%. Experimental studies have shown that this missense change affects KCNQ1 function (PMID: 10090886, 11530100, 15746441, 15935335, 19843919, 24681627). This variant disrupts the p.Arg243 amino acid residue in KCNQ1. Other variant(s) that disrupt this residue have been determined to be pathogenic (PMID: 10973849, 12877697, 14678125, 15234419, 15466642, 15469540, 15840476, 17470695, 19716085, 19841300, 20167303). This suggests that this residue is clinically significant, and that variants that disrupt this residue are likely to be disease-causing. For these reasons, this variant has been classified as Pathogenic.

Ambry Genetics
Classification: Pathogenic for Cardiovascular phenotype. Last evaluated: 2025-03-04. Review status: criteria provided, single submitter. Criteria: Ambry Variant Classification Scheme 2023. Collection method: clinical testing. Allele origin: germline.
Comment: The c.728G>A (p.R243H) alteration is located in exon 5 (coding exon 5) of the KCNQ1 gene. This alteration results from a G to A substitution at nucleotide position 728, causing the arginine (R) at amino acid position 243 to be replaced by a histidine (H). Based on data from gnomAD, the A allele has an overall frequency of 0.001% (2/280356) total alleles studied. The highest observed frequency was 0.004% (1/24684) of African alleles. This variant has been detected in individuals from long QT syndrome (LQTS) cohorts (Kobori, 2004; Schwartz, 2021; Saat, 2022). This variant has been reported in trans with another pathogenic KCNQ1 mutation in a proband with Jervell and Lange-Nielsen syndrome (JLNS) (Chouabe, 2000). This variant has also been detected in the homozygous state in multiple Turkish probands with JLNS, while some heterozygous relatives were reported to have QTc intervals within normal limits (Huang, 2001; Bostan, 2013; Kl&ccedil;, 2014). General population frequency data for the Turkish population is limited and the possibility that this alteration is common in the Turkish subpopulation can not be excluded. This amino acid position is highly conserved in available vertebrate species. A number of functional studies suggest that this alteration results in deficient protein function (Mohammad-Panah, 1999; Chouabe, 2000; Huang, 2001; Park, 2005; Wilson, 2005). This alteration is predicted to be deleterious by in silico analysis. Based on the available evidence, this alteration is classified as pathogenic.

Dept of Medical Biology, Uskudar University
Classification: Pathogenic for Jervell and Lange Nielsen syndrome. Last evaluated: 2024-01-08. Review status: criteria provided, single submitter. Criteria: Dept of Medical Biology Variant Classification. Collection method: research. Allele origin: biparental. Affected: yes. Observed: 1 variant allele.
Comment: Criteria: PS3_Moderate, PM1, PM2, PM3_Strong, PP3

Color Diagnostics, LLC DBA Color Health
Classification: Pathogenic for Cardiac arrhythmia. Last evaluated: 2022-02-07. Review status: criteria provided, single submitter. Criteria: ACMG Guidelines, 2015. Collection method: clinical testing. Allele origin: germline.
Comment: This missense variant is located in the fourth segment (S4) of the transmembrane domain of the KCNQ1 protein. Computational prediction suggests that this variant may have deleterious impact on protein structure and function (internally defined REVEL score threshold >= 0.7, PMID: 27666373). Functional studies have shown that this variant causes a defect in protein trafficking (PMID:15935335), reduced binding affinity for PIP2 (PMID: 15746441, 24681627), and decreased current compared to wild type (PMID: 10090886, 15746441, 19843919, 24681627). This variant has been reported in at least eight unrelated heterozygous individuals affected with long QT syndrome (PMID: 15028050, 19843919, 32893267). This variant has been also reported in homozygous or in compound heterozygous state with a known pathogenic KCNQ1 variant in four unrelated individuals affected with Jervell and Lange-Nielsen Syndrome, a severe form of long QT syndrome that also involves hearing loss (PMID: 10090886, 10728423, 23400408, 26022593, 29037160). Four heterozygous relatives from these families and another unrelated heterozygous individual (PMID:19843919) were reported to be either asymptomatic or have a modestly prolonged QT interval, suggesting reduced penetrance. This variant has been identified in 2/280356 chromosomes in the general population by the Genome Aggregation Database (gnomAD). A different missense variant occurring at the same codon, p.Arg243Cys, is known to cause long QT syndrome (Clinvar variation ID: 53091), indicating that arginine at this position is important for KCNQ1 protein function. Based on the available evidence, this variant is classified as Pathogenic.

3billion
Classification: Pathogenic for Jervell and Lange-Nielsen syndrome 1. Last evaluated: 2022-01-03. Review status: criteria provided, single submitter. Criteria: ACMG Guidelines, 2015. Collection method: clinical testing. Allele origin: germline. Affected: yes. Observed: 1 homozygote.
Comment: The variant has been observed in multiple (>3) similarly affected unrelated individuals (PMID: 26022593, 23400408, PS4_S). In silico tool predictions suggest damaging effect of the variant on gene or gene product (REVEL: 0.954, 3CNET: 0.984, PP3_P). A missense variant is a common mechanism associated with Jervell and Lange-Nielsen syndrome (PP2_P). It is observed at an extremely low frequency in the gnomAD v2.1.1 dataset (total allele frequency: 0.000007, PM2_M). A different missense change at the same codon has been reported as pathogenic/likely pathogenic with strong evidence (ClinVar ID: VCV000053091, PMID:10409658,16922724,19490272, PM5_M). Therefore, this variant is classified as pathogenic according to the recommendation of ACMG/AMP guideline.

NM_000218.3(KCNQ1):c.728G>A (p.Arg243His)

Gene: KCNQ1 (potassium voltage-gated channel subfamily Q member 1; plus strand). Cytogenetic location: 11p15.5.
Variant type: single nucleotide variant.
Coding change: c.728G>A on transcript NM_000218.3 (MANE Select); coding-DNA position 728, G replaced by A.
Protein change: p.Arg243His; replaces arginine 243 with histidine.
Molecular consequence: missense variant.
Genome position (GRCh38, 1-based): chr11:2,572,057, G>A. VCF-style: chr11-2572057-G-A. GRCh37 (hg19) VCF-style: chr11-2593287-G-A.
Other names: c.728G>A (LRG_287t1); c.728G>A, p.Arg243His (NM_001406836.1); c.458G>A, p.Arg153His (NM_001406837.1); c.347G>A, p.Arg116His (NM_181798.2); short protein forms R243H, R116H, R153H.
Identifiers: ClinVar variation 53092 (VCV000053092.28), dbSNP rs120074196, ClinGen allele CA008018.